The following is an entry in ClinVar:

ClinVar aggregate classification (germline): Uncertain significance. Review status: criteria provided, single submitter (1 of 4 stars). 2 submissions from 2 submitters: Uncertain significance (1). 1 of the submissions does not count toward it. Last evaluated 2022-02-08.

Conditions:
TCF20-related disorder. Also called: TCF20-related condition.

Allele frequency attached by ClinVar (database versions not stated): TOPMed below 0.00001.
gnomAD v4.1: 2 of 1,614,192 alleles (0.00012%); highest among the groups gnomAD compares: Admixed American, 0.0017%; no homozygotes.

Submissions (2):

Labcorp Genetics (formerly Invitae), Labcorp
Classification: Uncertain significance. Last evaluated: 2022-02-08. Review status: criteria provided, single submitter. Criteria: Invitae Variant Classification Sherloc (09022015). Collection method: clinical testing. Allele origin: germline.
Comment: This variant is present in population databases (no rsID available, gnomAD 0.01%). This sequence change replaces arginine, which is basic and polar, with proline, which is neutral and non-polar, at codon 1045 of the TCF20 protein (p.Arg1045Pro). This variant has not been reported in the literature in individuals affected with TCF20-related conditions. In summary, the available evidence is currently insufficient to determine the role of this variant in disease. Therefore, it has been classified as a Variant of Uncertain Significance. Algorithms developed to predict the effect of missense changes on protein structure and function are either unavailable or do not agree on the potential impact of this missense change (SIFT: "Tolerated"; PolyPhen-2: "Probably Damaging"; Align-GVGD: "Class C0").

PreventionGenetics, part of Exact Sciences
Classification: Uncertain significance for TCF20-related condition. Last evaluated: 2024-05-13. Review status: no assertion criteria provided. Collection method: clinical testing. Allele origin: germline. Not counted in ClinVar's aggregate classification.
Comment: The TCF20 c.3134G>C variant is predicted to result in the amino acid substitution p.Arg1045Pro. To our knowledge, this variant has not been reported in the literature. This variant is reported in 0.0099% of alleles in individuals of Ashkenazi Jewish descent in gnomAD. At this time, the clinical significance of this variant is uncertain due to the absence of conclusive functional and genetic evidence.

NM_001378418.1(TCF20):c.3134G>C (p.Arg1045Pro)

Gene: TCF20 (transcription factor 20; minus strand). Cytogenetic location: 22q13.2.
Variant type: single nucleotide variant.
Coding change: c.3134G>C on transcript NM_001378418.1 (MANE Select); coding-DNA position 3134, G replaced by C.
Protein change: p.Arg1045Pro; replaces arginine 1045 with proline.
Molecular consequence: missense variant.
Genome position (GRCh38, 1-based): chr22:42,212,172, C>G on the plus strand (G>C on the coding strand, the complement: TCF20 is on the minus strand). VCF-style: chr22-42212172-C-G. GRCh37 (hg19) VCF-style: chr22-42608178-C-G.
Other names: c.3134G>C, p.Arg1045Pro (NM_005650.4, NM_181492.3); c.3134G>C (NM_005650.3); short protein forms R1045P.
Identifiers: ClinVar variation 1942261 (VCV001942261.6), dbSNP rs760541526, ClinGen allele CA411787154.